The following is an entry in ClinVar:

ClinVar aggregate classification (germline): Uncertain significance (1 of 4 stars; one submission).

Allele frequency attached by ClinVar (database versions not stated): gnomAD 0.00001.
gnomAD v4.1: 3 of 1,613,752 alleles (0.00019%); highest among the groups gnomAD compares: African/African-American, 0.0013%; no homozygotes.

Submission:

GeneDx
Classification: Uncertain significance. Last evaluated: 2024-12-20. Review status: criteria provided, single submitter. Criteria: GeneDx Variant Classification Process June 2021. Collection method: clinical testing. Allele origin: germline. Affected: yes.
Comment: Not observed at significant frequency in large population cohorts (gnomAD); In silico analysis indicates that this missense variant does not alter protein structure/function; Has not been previously published as pathogenic or benign to our knowledge

NM_000827.4(GRIA1):c.244G>C (p.Val82Leu)

Gene: GRIA1 (glutamate ionotropic receptor AMPA type subunit 1; plus strand). Cytogenetic location: 5q33.2.
Variant type: single nucleotide variant.
Coding change: c.244G>C on transcript NM_000827.4 (MANE Select); coding-DNA position 244, G replaced by C.
Protein change: p.Val82Leu; replaces valine 82 with leucine.
Molecular consequence: missense variant. On other transcripts: 5 prime UTR variant (1), non-coding transcript variant (2), intron variant (1).
Genome position (GRCh38, 1-based): chr5:153,646,951, G>C. VCF-style: chr5-153646951-G-C. GRCh37 (hg19) VCF-style: chr5-153026511-G-C.
Other names: c.244G>C, p.Val82Leu (NM_001114183.2, NM_001364165.2); c.-42G>C (NM_001258020.2); c.274G>C, p.Val92Leu (NM_001258021.2, NM_001258022.2); c.37G>C, p.Val13Leu (NM_001258023.1, NM_001364167.2); c.271G>C, p.Val91Leu (NM_001364166.2); c.221-3379G>C (NM_001258019.2); short protein forms V13L, V82L, V91L, V92L.
Identifiers: ClinVar variation 1181366 (VCV001181366.4), dbSNP rs1434259155, ClinGen allele CA361904308.
Genomic context (GRCh38, chr5:153,646,951, plus strand): 5'-CAGTCTTCTATTCATTAATCCTTCTCTTCTCTTGTAGTCTGTTCCCAGTTCTCCAAAGGA[G>C]TCTATGCCATCTTTGGGTTTTATGAACGTAGGACTGTCAACATGCTGACCTCCTTTTGTG-3'
Protein context (NP_000818.2, residues 72-92): YRFCSQFSKG[Val82Leu]YAIFGFYERR